The following is an entry in ClinVar:

NM_005529.7(HSPG2):c.9836A>G (p.Asn3279Ser)

Gene: HSPG2 (heparan sulfate proteoglycan 2; minus strand). Cytogenetic location: 1p36.12.
Variant type: single nucleotide variant.
Coding change: c.9836A>G on transcript NM_005529.7 (MANE Select); coding-DNA position 9836, A replaced by G.
Protein change: p.Asn3279Ser; replaces asparagine 3279 with serine.
Molecular consequence: missense variant.
Genome position (GRCh38, 1-based): chr1:21,839,424, T>C on the plus strand (A>G on the coding strand, the complement: HSPG2 is on the minus strand). VCF-style: chr1-21839424-T-C. GRCh37 (hg19) VCF-style: chr1-22165917-T-C.
Other names: c.9839A>G, p.Asn3280Ser (NM_001291860.2); c.9836A>G (NM_005529.5); short protein forms N3279S, N3280S.
Identifiers: ClinVar variation 994170 (VCV000994170.9), dbSNP rs368694894, ClinGen allele CA670320.

ClinVar aggregate classification (germline): Uncertain significance. Review status: criteria provided, multiple submitters, no conflicts (2 of 4 stars). 2 submissions from 2 submitters: Uncertain significance (2). Last evaluated 2025-04-04.

Conditions:
Inborn genetic diseases. Identifiers: MedGen C0950123, MeSH D030342.

Allele frequency attached by ClinVar (database versions not stated): gnomAD exomes 0.00001 and below 0.00001; gnomAD 0.00005; ESP Exome Variant Server 0.00008; ExAC 0.00002; TOPMed 0.00006.
gnomAD v4.1: 9 of 1,613,870 alleles (0.00056%); highest among the groups gnomAD compares: African/African-American, 0.0093%; no homozygotes.

Submissions (2):

Ambry Genetics
Classification: Uncertain significance for Inborn genetic diseases. Last evaluated: 2025-04-04. Review status: criteria provided, single submitter. Criteria: Ambry Variant Classification Scheme 2023. Collection method: clinical testing. Allele origin: germline.

ARUP Laboratories, Molecular Genetics and Genomics, ARUP Laboratories
Classification: Uncertain significance. Last evaluated: 2019-11-08. Review status: criteria provided, single submitter. Criteria: ARUP Molecular Germline Variant Investigation Process. Collection method: clinical testing. Allele origin: germline.
Comment: The HSPG2 c.9836A>G; p.Asn3279Ser variant (rs368694894), to our knowledge, is not reported in the medical literature or gene specific databases. This variant is found in the general population with an allele frequency of 0.0018% (5/282,456 alleles) in the Genome Aggregation Database. The asparagine at codon 3279 is highly conserved, but computational analyses (SIFT: tolerated, PolyPhen-2: possibly damaging) predict conflicting effects of this variant on protein structure/function. Due to limited information, the clinical significance of this variant is uncertain at this time.